The following is an entry in ClinVar:

NM_006785.4(MALT1):c.502C>A (p.Pro168Thr)

Gene: MALT1 (MALT1 paracaspase; plus strand). Cytogenetic location: 18q21.32.
Variant type: single nucleotide variant.
Coding change: c.502C>A on transcript NM_006785.4 (MANE Select); coding-DNA position 502, C replaced by A.
Protein change: p.Pro168Thr; replaces proline 168 with threonine.
Molecular consequence: missense variant.
Genome position (GRCh38, 1-based): chr18:58,700,444, C>A. VCF-style: chr18-58700444-C-A. GRCh37 (hg19) VCF-style: chr18-56367676-C-A.
Other names: c.502C>A (NM_006785.2); c.502C>A, p.Pro168Thr (NM_173844.3); short protein forms P168T.
Identifiers: ClinVar variation 1562742 (VCV001562742.24), dbSNP rs560703292, ClinGen allele CA8977659.

ClinVar aggregate classification (germline): Conflicting classifications of pathogenicity. Review status: criteria provided, conflicting classifications (1 of 4 stars). 3 submissions from 3 submitters: Uncertain significance (1); Likely benign (2). Last evaluated 2026-01-26.

Conditions:
Inborn genetic diseases. Identifiers: MedGen C0950123, MeSH D030342.
Combined immunodeficiency due to MALT1 deficiency. Also called: Immunodeficiency 12. Identifiers: Orphanet 397964, MedGen C3809583, MONDO:0014197, OMIM 615468.

Allele frequency attached by ClinVar (database versions not stated): gnomAD 0.00008; gnomAD exomes 0.00029; ExAC 0.00034; 1000 Genomes Project 30x 0.00062; 1000 Genomes Project 0.00080.
gnomAD v4.1: 224 of 1,592,752 alleles (0.014%); highest among the groups gnomAD compares: South Asian, 0.24%; 2 homozygotes.

Submissions (3):

Labcorp Genetics (formerly Invitae), Labcorp
Classification: Likely benign for Combined immunodeficiency due to MALT1 deficiency. Last evaluated: 2026-01-26. Review status: criteria provided, single submitter. Criteria: Invitae Variant Classification Sherloc (09022015). Collection method: clinical testing. Allele origin: germline.

Ambry Genetics
Classification: Uncertain significance for Inborn genetic diseases. Last evaluated: 2025-04-15. Review status: criteria provided, single submitter. Criteria: Ambry Variant Classification Scheme 2023. Collection method: clinical testing. Allele origin: germline.

CeGaT Center for Human Genetics Tuebingen
Classification: Likely benign. Last evaluated: 2024-08-01. Review status: criteria provided, single submitter. Criteria: CeGaT Center For Human Genetics Tuebingen Variant Classification Criteria Version 2. Collection method: clinical testing. Allele origin: germline. Affected: yes. Observed: 1 variant allele.
Comment: MALT1: BS1:Supporting